The following is an entry in ClinVar:

ClinVar aggregate classification (germline): Uncertain significance. Review status: criteria provided, multiple submitters, no conflicts (2 of 4 stars). 2 submissions from 2 submitters: Uncertain significance (2). Last evaluated 2024-05-01.

Conditions:
Baller-Gerold syndrome (BGS). Also called: CRANIOSYNOSTOSIS WITH RADIAL DEFECTS. Identifiers: Orphanet 1225, MedGen C0265308, MONDO:0009039, OMIM 218600.

Allele frequency attached by ClinVar (database versions not stated): gnomAD exomes below 0.00001; gnomAD 0.00001; TOPMed 0.00001.

Submissions (2):

GeneDx
Classification: Uncertain significance. Last evaluated: 2024-05-01. Review status: criteria provided, single submitter. Criteria: GeneDx Variant Classification Process June 2021. Collection method: clinical testing. Allele origin: germline. Affected: yes.
Comment: Has not been previously published as pathogenic or benign to our knowledge; In silico analysis does not support a benign or deleterious effect of this variant on protein structure/function

Labcorp Genetics (formerly Invitae), Labcorp
Classification: Uncertain significance for Baller-Gerold syndrome. Last evaluated: 2023-02-14. Review status: criteria provided, single submitter. Criteria: Invitae Variant Classification Sherloc (09022015). Collection method: clinical testing. Allele origin: germline.
Comment: In summary, the available evidence is currently insufficient to determine the role of this variant in disease. Therefore, it has been classified as a Variant of Uncertain Significance. Advanced modeling of protein sequence and biophysical properties (such as structural, functional, and spatial information, amino acid conservation, physicochemical variation, residue mobility, and thermodynamic stability) performed at Invitae indicates that this missense variant is not expected to disrupt RECQL4 protein function. ClinVar contains an entry for this variant (Variation ID: 1039283). This variant has not been reported in the literature in individuals affected with RECQL4-related conditions. This variant is present in population databases (no rsID available, gnomAD 0.008%). This sequence change replaces alanine, which is neutral and non-polar, with glycine, which is neutral and non-polar, at codon 291 of the RECQL4 protein (p.Ala291Gly).

NM_004260.4(RECQL4):c.872C>G (p.Ala291Gly)

Gene: RECQL4 (RecQ like helicase 4; minus strand). Cytogenetic location: 8q24.3.
Variant type: single nucleotide variant.
Coding change: c.872C>G on transcript NM_004260.4 (MANE Select); coding-DNA position 872, C replaced by G.
Protein change: p.Ala291Gly; replaces alanine 291 with glycine.
Molecular consequence: missense variant.
Genome position (GRCh38, 1-based): chr8:144,516,247, G>C on the plus strand (C>G on the coding strand, the complement: RECQL4 is on the minus strand). VCF-style: chr8-144516247-G-C. GRCh37 (hg19) VCF-style: chr8-145741631-G-C.
Other names: c.872C>G (NM_004260.3); short protein forms A291G.
Identifiers: ClinVar variation 1039283 (VCV001039283.6), dbSNP rs1396400224, ClinGen allele CA372688866.